The following is an entry in ClinVar:

NM_000443.4(ABCB4):c.1639C>T (p.Leu547=)

Gene: ABCB4 (ATP binding cassette subfamily B member 4; minus strand). Cytogenetic location: 7q21.12.
Variant type: single nucleotide variant.
Coding change: c.1639C>T on transcript NM_000443.4 (MANE Select); coding-DNA position 1639, C replaced by T.
Protein change: p.Leu547=; no amino-acid change (leucine 547 retained).
Molecular consequence: synonymous variant.
Genome position (GRCh38, 1-based): chr7:87,439,759, G>A on the plus strand (C>T on the coding strand, the complement: ABCB4 is on the minus strand). VCF-style: chr7-87439759-G-A. GRCh37 (hg19) VCF-style: chr7-87069075-G-A.
Other names: c.1639C>T, p.Leu547= (NM_018849.3, NM_018850.3).
Identifiers: ClinVar variation 4987499 (VCV004987499.1).

ClinVar aggregate classification (germline): Likely benign (1 of 4 stars; one submission).

Conditions:
ABCB4-related disorder. Also called: ABCB4-related disorders; ABCB4-related condition.

gnomAD v4.1: 3 of 1,614,032 alleles (0.00019%); highest among the groups gnomAD compares: Admixed American, 0.0033%; no homozygotes.

Submission:

PreventionGenetics, part of Exact Sciences
Classification: Likely benign for ABCB4-related condition. Last evaluated: 2026-02-18. Review status: criteria provided, single submitter. Criteria: ACMG Guidelines, 2015. Collection method: clinical testing. Allele origin: germline.
Comment: This variant is classified as likely benign based on ACMG/AMP sequence variant interpretation guidelines (Richards et al. 2015 PMID: 25741868, with internal and published modifications).